The following is an entry in ClinVar:

ClinVar aggregate classification (germline): Uncertain significance. Review status: criteria provided, multiple submitters, no conflicts (2 of 4 stars). 2 submissions from 2 submitters: Uncertain significance (2). Last evaluated 2024-03-16.

Conditions:
Familial thoracic aortic aneurysm and aortic dissection (TAAD). Also called: Thoracic aortic aneurysms and dissections. Identifiers: Orphanet 91387, MedGen C4707243, MONDO:0019625.
Ehlers-Danlos syndrome, type 4 (EDSVASC). Also called: Ehlers-Danlos syndrome vascular type; Ehlers Danlos syndrome, ecchymotic type; Ehlers Danlos syndrome, arterial type; Ehlers Danlos syndrome, Sack-Barabas type; Ehlers-Danlos Syndrome Type IV. Identifiers: Orphanet 286, MedGen C0268338, MONDO:0017314, OMIM 130050.

Allele frequency attached by ClinVar (database versions not stated): gnomAD exomes below 0.00001.

Submissions (2):

Labcorp Genetics (formerly Invitae), Labcorp
Classification: Uncertain significance for Ehlers-Danlos syndrome, type 4. Last evaluated: 2024-03-16. Review status: criteria provided, single submitter. Criteria: Invitae Variant Classification Sherloc (09022015). Collection method: clinical testing. Allele origin: germline.
Comment: This sequence change replaces proline, which is neutral and non-polar, with arginine, which is basic and polar, at codon 206 of the COL3A1 protein (p.Pro206Arg). This variant is present in population databases (no rsID available, gnomAD 0.0009%). This variant has not been reported in the literature in individuals affected with COL3A1-related conditions. ClinVar contains an entry for this variant (Variation ID: 927057). Advanced modeling of protein sequence and biophysical properties (such as structural, functional, and spatial information, amino acid conservation, physicochemical variation, residue mobility, and thermodynamic stability) has been performed at Invitae for this missense variant, however the output from this modeling did not meet the statistical confidence thresholds required to predict the impact of this variant on COL3A1 protein function. In summary, the available evidence is currently insufficient to determine the role of this variant in disease. Therefore, it has been classified as a Variant of Uncertain Significance.

Color Diagnostics, LLC DBA Color Health
Classification: Uncertain significance for Familial thoracic aortic aneurysm and aortic dissection. Last evaluated: 2023-12-05. Review status: criteria provided, single submitter. Criteria: ACMG Guidelines, 2015. Collection method: clinical testing. Allele origin: germline.
Comment: This missense variant replaces proline with arginine at codon 206 of the COL3A1 protein. Computational prediction tools and conservation analyses suggest that this variant may have deleterious impact on the protein function. Computational splicing tools suggest that this variant may not impact RNA splicing. To our knowledge, functional assays have not been performed for this variant nor has this variant been reported in individuals affected with cardiovascular disorders in the literature. This variant has been identified in 1/249796 chromosomes in the general population by the Genome Aggregation Database (gnomAD). Available evidence is insufficient to determine the role of this variant in disease conclusively. Therefore, this variant is classified as a Variant of Uncertain Significance.

NM_000090.4(COL3A1):c.617C>G (p.Pro206Arg)

Gene: COL3A1 (collagen type III alpha 1 chain; plus strand). Cytogenetic location: 2q32.2.
Variant type: single nucleotide variant.
Coding change: c.617C>G on transcript NM_000090.4 (MANE Select); coding-DNA position 617, C replaced by G.
Protein change: p.Pro206Arg; replaces proline 206 with arginine.
Molecular consequence: missense variant.
Genome position (GRCh38, 1-based): chr2:188,988,624, C>G. VCF-style: chr2-188988624-C-G. GRCh37 (hg19) VCF-style: chr2-189853350-C-G.
Other names: short protein forms P206R.
Identifiers: ClinVar variation 927057 (VCV000927057.7), dbSNP rs1268896574, ClinGen allele CA349848379.